The following is an entry in ClinVar:

NM_020937.4(FANCM):c.2223T>C (p.Asp741=)

Gene: FANCM (FA complementation group M; plus strand). Cytogenetic location: 14q21.2.
Variant type: single nucleotide variant.
Coding change: c.2223T>C on transcript NM_020937.4 (MANE Select); coding-DNA position 2223, T replaced by C.
Protein change: p.Asp741=; no amino-acid change (aspartic acid 741 retained).
Molecular consequence: synonymous variant.
Genome position (GRCh38, 1-based): chr14:45,173,117, T>C. VCF-style: chr14-45173117-T-C. GRCh37 (hg19) VCF-style: chr14-45642320-T-C.
Other names: c.2145T>C, p.Asp715= (NM_001308133.2).
Identifiers: ClinVar variation 4992262 (VCV004992262.1).
Genomic context (GRCh38, chr14:45,173,117, plus strand): 5'-TCAAGAATCAACCACTGGAATTCATCAACTCTCTCTCTCTGAATGGAGACTGTGGCAAGA[T>C]CATCCTTTGCCTACACATCAAGTTGATCACTCAGATCGATGCCGCCATTTTATAGGCCTT-3'
Protein context (NP_065988.1, residues 731-751): LSLSEWRLWQ[Asp741=]HPLPTHQVDH

ClinVar aggregate classification (germline): Likely benign (1 of 4 stars; one submission).

Conditions:
FANCM-related disorder. Also called: FANCM-related condition.

Submission:

PreventionGenetics, part of Exact Sciences
Classification: Likely benign for FANCM-related condition. Last evaluated: 2026-05-28. Review status: criteria provided, single submitter. Criteria: ACMG Guidelines, 2015. Collection method: clinical testing. Allele origin: germline.
Comment: This variant is classified as likely benign based on ACMG/AMP sequence variant interpretation guidelines (Richards et al. 2015 PMID: 25741868, with internal and published modifications).